The following is an entry in ClinVar:

ClinVar aggregate classification (germline): Uncertain significance. Review status: criteria provided, multiple submitters, no conflicts (2 of 4 stars). 5 submissions from 5 submitters: Uncertain significance (5). Last evaluated 2025-09-16.

Conditions:
Primary ciliary dyskinesia. Also called: Ciliary dyskinesia. Identifiers: Orphanet 244, MedGen C0008780, MONDO:0016575, HP:0012265.
Primary ciliary dyskinesia 3. Identifiers: Orphanet 244, MedGen C1837618, MONDO:0012085, OMIM 608644.
DNAH5-related disorder. Also called: DNAH5-related condition.

Allele frequency attached by ClinVar (database versions not stated): gnomAD 0.00001; TOPMed 0.00001; ExAC 0.00002.
gnomAD v4.1: 35 of 1,614,094 alleles (0.0022%); highest among the groups gnomAD compares: Middle Eastern, 0.049%; no homozygotes.

Submissions (5):

PreventionGenetics, part of Exact Sciences
Classification: Uncertain significance for DNAH5-related condition. Last evaluated: 2025-09-16. Review status: criteria provided, single submitter. Criteria: ACMG Guidelines, 2015. Collection method: clinical testing. Allele origin: germline.
Comment: The DNAH5 c.2869G>A variant is predicted to result in the amino acid substitution p.Glu957Lys. To our knowledge, this variant has not been reported in individuals with DNAH5-related disease. This variant is reported in 0.0026% of alleles in individuals of European (Non-Finnish) descent in gnomAD. At this time, the clinical significance of this variant is uncertain due to the absence of conclusive functional and genetic evidence.

Ambry Genetics
Classification: Uncertain significance for Primary ciliary dyskinesia. Last evaluated: 2024-08-26. Review status: criteria provided, single submitter. Criteria: Ambry Variant Classification Scheme 2023. Collection method: clinical testing. Allele origin: germline.

CeGaT Center for Human Genetics Tuebingen
Classification: Uncertain significance. Last evaluated: 2024-07-01. Review status: criteria provided, single submitter. Criteria: CeGaT Center For Human Genetics Tuebingen Variant Classification Criteria Version 2. Collection method: clinical testing. Allele origin: germline. Affected: yes. Observed: 1 variant allele.
Comment: DNAH5: PM2

New York Genome Center
Classification: Uncertain significance for Primary ciliary dyskinesia 3. Last evaluated: 2023-09-01. Review status: criteria provided, single submitter. Criteria: NYGC Assertion Criteria 2020. Collection method: clinical testing. Allele origin: inherited. Observed: 1 compound heterozygote.
Comment: The c.2869G>A variant in the DNAH5 gene has not previously been reported in the literature in individuals with DNAH5-associated disorders and it has been deposited in ClinVar [ClinVar ID:1797023] as a Variant of Uncertain Significance (2 submissions). The c.2869G>A variant is observed at a low allele frequency (9.80e-6; 0 homozygotes) in population databases (gnomAD v2.1.1, gnomADv3.1.2 TOPMed Freeze 8 All of Us), suggesting it is not a common benign variant in the populations represented in those databases. The c.2869G>A variant is located in exon 19 of this 79-exon gene and is predicted to replace a moderately conserved glutamic acid amino acid with lysine at position 957 (p.(Glu957Lys)) in the encoded protein. In silico predictions are inconclusivie for p.(Glu957Lys) [REVEL = 0.072)]; however, there are no functional studies to support or refute these predictions. Based on available evidence the inherited c.2869G>A p.(Glu957Lys) variant identified in the DNAH5 gene is classified as Variant of Uncertain Significance.

Labcorp Genetics (formerly Invitae), Labcorp
Classification: Uncertain significance for Primary ciliary dyskinesia. Last evaluated: 2022-06-07. Review status: criteria provided, single submitter. Criteria: Invitae Variant Classification Sherloc (09022015). Collection method: clinical testing. Allele origin: germline.
Comment: This sequence change replaces glutamic acid, which is acidic and polar, with lysine, which is basic and polar, at codon 957 of the DNAH5 protein (p.Glu957Lys). This variant is present in population databases (rs762848961, gnomAD 0.004%). This variant has not been reported in the literature in individuals affected with DNAH5-related conditions. Advanced modeling of protein sequence and biophysical properties (such as structural, functional, and spatial information, amino acid conservation, physicochemical variation, residue mobility, and thermodynamic stability) performed at Invitae indicates that this missense variant is not expected to disrupt DNAH5 protein function. In summary, the available evidence is currently insufficient to determine the role of this variant in disease. Therefore, it has been classified as a Variant of Uncertain Significance.

NM_001369.3(DNAH5):c.2869G>A (p.Glu957Lys)

Genes: DNAH5 (dynein axonemal heavy chain 5; minus strand), DNAH5-AS1 (DNAH5 antisense RNA 1; plus strand). Cytogenetic location: 5p15.2.
Variant type: single nucleotide variant.
Coding change: c.2869G>A on transcript NM_001369.3 (MANE Select); coding-DNA position 2869, G replaced by A.
Protein change: p.Glu957Lys; replaces glutamic acid 957 with lysine.
Molecular consequence: missense variant.
Genome position (GRCh38, 1-based): chr5:13,885,103, C>T on the plus strand (G>A on the coding strand, the complement: DNAH5 is on the minus strand). VCF-style: chr5-13885103-C-T. GRCh37 (hg19) VCF-style: chr5-13885212-C-T.
Other names: short protein forms E957K.
Identifiers: ClinVar variation 1797023 (VCV001797023.32), dbSNP rs762848961, ClinGen allele CA3204463.